The following is an entry in ClinVar:

NM_000138.5(FBN1):c.7420T>G (p.Tyr2474Asp)

Gene: FBN1 (fibrillin 1; minus strand). Cytogenetic location: 15q21.1.
Variant type: single nucleotide variant.
Coding change: c.7420T>G on transcript NM_000138.5 (MANE Select); coding-DNA position 7420, T replaced by G.
Protein change: p.Tyr2474Asp; replaces tyrosine 2474 with aspartic acid.
Molecular consequence: missense variant.
Genome position (GRCh38, 1-based): chr15:48,425,402, A>C on the plus strand (T>G on the coding strand, the complement: FBN1 is on the minus strand). VCF-style: chr15-48425402-A-C. GRCh37 (hg19) VCF-style: chr15-48717599-A-C.
Other names: short protein forms Y2474D.
Identifiers: ClinVar variation 1304014 (VCV001304014.3), dbSNP rs2141226281, ClinGen allele CA392327719.

ClinVar aggregate classification (germline): Uncertain significance (1 of 4 stars; one submission).

Submission:

GeneDx
Classification: Uncertain significance. Last evaluated: 2023-06-06. Review status: criteria provided, single submitter. Criteria: GeneDx Variant Classification Process June 2021. Collection method: clinical testing. Allele origin: germline. Affected: yes.
Comment: Has not been previously published as pathogenic or benign to our knowledge; Not observed in large population cohorts (gnomAD); Although located in a calcium-binding EGF-like domain of the FBN1 gene, it does not affect a cysteine residue within this domain; cysteine substitutions in the calcium-binding EGF-like domains represent the majority of pathogenic missense changes associated with FBN1-related disorders (Collod-Beroud et al., 2003); In silico analysis supports that this missense variant has a deleterious effect on protein structure/function